The following is an entry in ClinVar:

ClinVar aggregate classification (germline): Pathogenic. Review status: criteria provided, multiple submitters, no conflicts (2 of 4 stars). 2 submissions from 2 submitters: Pathogenic (2). Last evaluated 2026-04-30.

Conditions:
Cardiovascular phenotype. Identifiers: MedGen CN230736.

Submissions (2):

Ambry Genetics
Classification: Pathogenic for Cardiovascular phenotype. Last evaluated: 2026-04-30. Review status: criteria provided, single submitter. Criteria: Ambry Variant Classification Scheme 2023. Collection method: clinical testing. Allele origin: germline.
Comment: The p.Q611* pathogenic mutation (also known as c.1831C>T), located in coding exon 5 of the ALPK3 gene, results from a C to T substitution at nucleotide position 1831. This changes the amino acid from a glutamine to a stop codon within coding exon 5. This variant is considered to be rare based on population cohorts in the Genome Aggregation Database (gnomAD). This alteration is expected to result in loss of function by premature protein truncation or nonsense-mediated mRNA decay. As such, this alteration is interpreted as a disease-causing mutation.

Labcorp Genetics (formerly Invitae), Labcorp
Classification: Pathogenic. Last evaluated: 2026-01-28. Review status: criteria provided, single submitter. Criteria: Invitae Variant Classification Sherloc (09022015). Collection method: clinical testing. Allele origin: germline.
Comment: This sequence change creates a premature translational stop signal (p.Gln611*) in the ALPK3 gene. It is expected to result in an absent or disrupted protein product. Loss-of-function variants in ALPK3 are known to be pathogenic (PMID: 21441111, 26846950, 27106955, 34263907). This variant is not present in population databases (gnomAD no frequency). This variant has not been reported in the literature in individuals affected with ALPK3-related conditions. For these reasons, this variant has been classified as Pathogenic.

Literature cited by the submitters: PubMed 21441111 (cited by Labcorp Genetics (formerly Invitae), Labcorp); PubMed 26846950 (cited by Labcorp Genetics (formerly Invitae), Labcorp); PubMed 27106955 (cited by Labcorp Genetics (formerly Invitae), Labcorp); PubMed 34263907 (cited by Labcorp Genetics (formerly Invitae), Labcorp).

NM_020778.5(ALPK3):c.1225C>T (p.Gln409Ter)

Gene: ALPK3 (alpha kinase 3; plus strand). Cytogenetic location: 15q25.3.
Variant type: single nucleotide variant.
Coding change: c.1225C>T on transcript NM_020778.5 (MANE Select); coding-DNA position 1225, C replaced by T.
Protein change: p.Gln409Ter; replaces glutamine 409 with a stop codon.
Molecular consequence: nonsense.
Genome position (GRCh38, 1-based): chr15:84,840,504, C>T. VCF-style: chr15-84840504-C-T. GRCh37 (hg19) VCF-style: chr15-85383735-C-T.
Other names: short protein forms Q409*.
Identifiers: ClinVar variation 4613537 (VCV004613537.3).